The following is an entry in ClinVar:

NM_000486.6(AQP2):c.82C>A (p.Leu28Ile)

Gene: AQP2 (aquaporin 2; plus strand). Cytogenetic location: 12q13.12.
Variant type: single nucleotide variant.
Coding change: c.82C>A on transcript NM_000486.6 (MANE Select); coding-DNA position 82, C replaced by A.
Protein change: p.Leu28Ile; replaces leucine 28 with isoleucine.
Molecular consequence: missense variant.
Genome position (GRCh38, 1-based): chr12:49,950,912, C>A. VCF-style: chr12-49950912-C-A. GRCh37 (hg19) VCF-style: chr12-50344695-C-A.
Other names: short protein forms L28I.
Identifiers: ClinVar variation 3574899 (VCV003574899.2).

ClinVar aggregate classification (germline): Uncertain significance. Review status: criteria provided, multiple submitters, no conflicts (2 of 4 stars). 2 submissions from 2 submitters: Uncertain significance (2). Last evaluated 2026-01-12.

Conditions:
Diabetes insipidus, nephrogenic, autosomal (NDI2). Also called: Nephrogenic Diabetes Insipidus, Type II; Diabetes insipidus, nephrogenic, 2, autosomal. Identifiers: Orphanet 223, MedGen C1563706, MONDO:0007451, OMIM 125800.

Submissions (2):

Labcorp Genetics (formerly Invitae), Labcorp
Classification: Uncertain significance. Last evaluated: 2026-01-12. Review status: criteria provided, single submitter. Criteria: Invitae Variant Classification Sherloc (09022015). Collection method: clinical testing. Allele origin: germline.
Comment: This sequence change replaces leucine, which is neutral and non-polar, with isoleucine, which is neutral and non-polar, at codon 28 of the AQP2 protein (p.Leu28Ile). This variant is not present in population databases (gnomAD no frequency). This variant has not been reported in the literature in individuals affected with AQP2-related conditions. ClinVar contains an entry for this variant (Variation ID: 3574899). Invitae Evidence Modeling of protein sequence and biophysical properties (such as structural, functional, and spatial information, amino acid conservation, physicochemical variation, residue mobility, and thermodynamic stability) indicates that this missense variant is not expected to disrupt AQP2 protein function with a negative predictive value of 80%. In summary, the available evidence is currently insufficient to determine the role of this variant in disease. Therefore, it has been classified as a Variant of Uncertain Significance.

Fulgent Genetics
Classification: Uncertain significance for Diabetes insipidus, nephrogenic, autosomal. Last evaluated: 2024-05-27. Review status: criteria provided, single submitter. Criteria: ACMG Guidelines, 2015. Collection method: clinical testing. Allele origin: germline.